The following is an entry in ClinVar:

NM_000264.5(PTCH1):c.4199G>T (p.Gly1400Val)

Gene: PTCH1 (patched 1; minus strand). Cytogenetic location: 9q22.32.
Variant type: single nucleotide variant.
Coding change: c.4199G>T on transcript NM_000264.5 (MANE Select); coding-DNA position 4199, G replaced by T.
Protein change: p.Gly1400Val; replaces glycine 1400 with valine.
Molecular consequence: missense variant. On other transcripts: non-coding transcript variant (1).
Genome position (GRCh38, 1-based): chr9:95,447,057, C>A on the plus strand (G>T on the coding strand, the complement: PTCH1 is on the minus strand). VCF-style: chr9-95447057-C-A. GRCh37 (hg19) VCF-style: chr9-98209339-C-A.
Other names: c.4001G>T, p.Gly1334Val (NM_001083602.3); c.4196G>T, p.Gly1399Val (NM_001083603.3); c.3746G>T, p.Gly1249Val (NM_001083604.3, NM_001083605.3, NM_001083606.3 and 1 more transcripts); c.4043G>T, p.Gly1348Val (NM_001354918.2); short protein forms G1334V, G1249V, G1399V, G1348V, G1400V.
Identifiers: ClinVar variation 4675321 (VCV004675321.1).

ClinVar aggregate classification (germline): Uncertain significance (1 of 4 stars; one submission).

Conditions:
Hereditary cancer-predisposing syndrome. Also called: Neoplastic Syndromes, Hereditary; Tumor predisposition; Hereditary Cancer Syndrome; Hereditary neoplastic syndrome. Identifiers: Orphanet 140162, MedGen C0027672, MeSH D009386, MONDO:0015356.

Submission:

Ambry Genetics
Classification: Uncertain significance for Hereditary cancer-predisposing syndrome. Last evaluated: 2025-11-06. Review status: criteria provided, single submitter. Criteria: Ambry Variant Classification Scheme 2023. Collection method: clinical testing. Allele origin: germline.
Comment: The p.G1400V variant (also known as c.4199G>T), located in coding exon 23 of the PTCH1 gene, results from a G to T substitution at nucleotide position 4199. The glycine at codon 1400 is replaced by valine, an amino acid with dissimilar properties. This amino acid position is not well conserved in available vertebrate species. In addition, this alteration is predicted to be tolerated by in silico analysis. Based on the available evidence, the clinical significance of this variant remains unclear.